The following is an entry in ClinVar:

NM_031935.3(HMCN1):c.6500A>G (p.Gln2167Arg)

Gene: HMCN1 (hemicentin 1; plus strand). Cytogenetic location: 1q31.1.
Variant type: single nucleotide variant.
Coding change: c.6500A>G on transcript NM_031935.3 (MANE Select); coding-DNA position 6500, A replaced by G.
Protein change: p.Gln2167Arg; replaces glutamine 2167 with arginine.
Molecular consequence: missense variant.
Genome position (GRCh38, 1-based): chr1:186,048,762, A>G. VCF-style: chr1-186048762-A-G. GRCh37 (hg19) VCF-style: chr1-186017894-A-G.
Other names: short protein forms Q2167R.
Identifiers: ClinVar variation 1352470 (VCV001352470.6), dbSNP rs2102263582, ClinGen allele CA343900443.

ClinVar aggregate classification (germline): Uncertain significance (1 of 4 stars; one submission).

Submission:

Labcorp Genetics (formerly Invitae), Labcorp
Classification: Uncertain significance. Last evaluated: 2021-11-19. Review status: criteria provided, single submitter. Criteria: Invitae Variant Classification Sherloc (09022015). Collection method: clinical testing. Allele origin: germline.
Comment: In summary, the available evidence is currently insufficient to determine the role of this variant in disease. Therefore, it has been classified as a Variant of Uncertain Significance. This sequence change replaces glutamine, which is neutral and polar, with arginine, which is basic and polar, at codon 2167 of the HMCN1 protein (p.Gln2167Arg). This variant is not present in population databases (gnomAD no frequency). This variant has not been reported in the literature in individuals affected with HMCN1-related conditions. Algorithms developed to predict the effect of missense changes on protein structure and function are either unavailable or do not agree on the potential impact of this missense change (SIFT: "Tolerated"; PolyPhen-2: "Probably Damaging"; Align-GVGD: "Class C0"). Algorithms developed to predict the effect of sequence changes on RNA splicing suggest that this variant may create or strengthen a splice site.